The following is an entry in ClinVar:

ClinVar aggregate classification (germline): Likely pathogenic (1 of 4 stars; one submission).

Submission:

GeneDx
Classification: Likely pathogenic. Last evaluated: 2022-07-25. Review status: criteria provided, single submitter. Criteria: GeneDx Variant Classification Process June 2021. Collection method: clinical testing. Allele origin: germline. Affected: yes.
Comment: In silico analysis supports a deleterious effect on splicing; Not observed at significant frequency in large population cohorts (gnomAD); This variant is associated with the following publications: (PMID: 32756486)

NM_001844.5(COL2A1):c.1221+3A>C

Gene: COL2A1 (collagen type II alpha 1 chain; minus strand). Cytogenetic location: 12q13.11.
Variant type: single nucleotide variant.
Coding change: c.1221+3A>C on transcript NM_001844.5 (MANE Select); 3 bases into the intron after coding-DNA position 1221, A replaced by C.
Molecular consequence: intron variant.
Genome position (GRCh38, 1-based): chr12:47,987,608, T>G on the plus strand (A>C on the coding strand, the complement: COL2A1 is on the minus strand). VCF-style: chr12-47987608-T-G. GRCh37 (hg19) VCF-style: chr12-48381391-T-G.
Other names: c.1014+3A>C (NM_033150.3).
Identifiers: ClinVar variation 2413063 (VCV002413063.3), dbSNP rs2540153237, ClinGen allele CA2580085533.